The following is an entry in ClinVar:

NM_001205293.3(CACNA1E):c.6466C>A (p.Arg2156Ser)

Gene: CACNA1E (calcium voltage-gated channel subunit alpha1 E; plus strand). Cytogenetic location: 1q25.3.
Variant type: single nucleotide variant.
Coding change: c.6466C>A on transcript NM_001205293.3 (MANE Select); coding-DNA position 6466, C replaced by A.
Protein change: p.Arg2156Ser; replaces arginine 2156 with serine.
Molecular consequence: missense variant.
Genome position (GRCh38, 1-based): chr1:181,798,358, C>A. VCF-style: chr1-181798358-C-A. GRCh37 (hg19) VCF-style: chr1-181767494-C-A.
Other names: c.6337C>A, p.Arg2113Ser (NM_000721.4); c.6280C>A, p.Arg2094Ser (NM_001205294.2); short protein forms R2094S, R2156S, R2113S.
Identifiers: ClinVar variation 3692302 (VCV003692302.2).

ClinVar aggregate classification (germline): Uncertain significance (1 of 4 stars; one submission).

gnomAD v4.1: 48 of 1,611,356 alleles (0.003%); highest among the groups gnomAD compares: South Asian, 0.053%; 1 homozygote.

Submission:

Labcorp Genetics (formerly Invitae), Labcorp
Classification: Uncertain significance. Last evaluated: 2024-06-29. Review status: criteria provided, single submitter. Criteria: Invitae Variant Classification Sherloc (09022015). Collection method: clinical testing. Allele origin: germline.
Comment: This sequence change replaces arginine, which is basic and polar, with serine, which is neutral and polar, at codon 2113 of the CACNA1E protein (p.Arg2113Ser). This variant is present in population databases (rs528317539, gnomAD 0.06%), including at least one homozygous and/or hemizygous individual. This variant has not been reported in the literature in individuals affected with CACNA1E-related conditions. Advanced modeling of protein sequence and biophysical properties (such as structural, functional, and spatial information, amino acid conservation, physicochemical variation, residue mobility, and thermodynamic stability) has been performed at Invitae for this missense variant, however the output from this modeling did not meet the statistical confidence thresholds required to predict the impact of this variant on CACNA1E protein function. In summary, the available evidence is currently insufficient to determine the role of this variant in disease. Therefore, it has been classified as a Variant of Uncertain Significance.